The following is an entry in ClinVar:

NM_001130438.3(SPTAN1):c.3865-6C>T

Gene: SPTAN1 (spectrin alpha, non-erythrocytic 1; plus strand). Cytogenetic location: 9q34.11.
Variant type: single nucleotide variant.
Coding change: c.3865-6C>T on transcript NM_001130438.3 (MANE Select); 6 bases into the intron before coding-DNA position 3865, C replaced by T.
Molecular consequence: intron variant.
Genome position (GRCh38, 1-based): chr9:128,605,290, C>T. VCF-style: chr9-128605290-C-T. GRCh37 (hg19) VCF-style: chr9-131367569-C-T.
Other names: c.3901-6C>T (NM_001375318.1, NM_001375312.2); c.3865-6C>T (NM_001375311.2, NM_001375310.1, NM_001363759.2 and 2 more transcripts); c.3805-6C>T (NM_001375314.2, NM_001363765.2, NM_001195532.2).
Identifiers: ClinVar variation 2579073 (VCV002579073.27), dbSNP rs375222598, ClinGen allele CA5265074.
Genomic context (GRCh38, chr9:128,605,290, plus strand): 5'-CAGAGTCTTCTGTTCTGCAGAGCATACCCCCTTACTGCAAGCTCATTCACCACTTTCTTC[C>T]CATAGGTAAACTCCCTTGGTGAAACAGCAGAGCGCCTGATCCAGTCCCATCCCGAGTCAG-3'

ClinVar aggregate classification (germline): Likely benign. Review status: criteria provided, multiple submitters, no conflicts (2 of 4 stars). 2 submissions from 2 submitters: Likely benign (2). Last evaluated 2024-11-06.

Conditions:
Early-infantile DEE. Also called: Early infantile epileptic encephalopathy; Ohtahara syndrome; Early infantile epileptic encephalopathy with suppression bursts. Identifiers: Orphanet 1934, MedGen C0393706, MONDO:0800491.

Allele frequency attached by ClinVar (database versions not stated): ESP Exome Variant Server 0.00008; gnomAD exomes 0.00001; TOPMed 0.00001; ExAC 0.00002.
gnomAD v4.1: 8 of 1,614,126 alleles (0.0005%); highest among the groups gnomAD compares: Admixed American, 0.0017%; no homozygotes.

Submissions (2):

Labcorp Genetics (formerly Invitae), Labcorp
Classification: Likely benign for Early-infantile DEE. Last evaluated: 2024-11-06. Review status: criteria provided, single submitter. Criteria: Invitae Variant Classification Sherloc (09022015). Collection method: clinical testing. Allele origin: germline.

CeGaT Center for Human Genetics Tuebingen
Classification: Likely benign. Last evaluated: 2023-07-01. Review status: criteria provided, single submitter. Criteria: CeGaT Center For Human Genetics Tuebingen Variant Classification Criteria Version 2. Collection method: clinical testing. Allele origin: germline. Affected: yes. Observed: 1 variant allele.
Comment: SPTAN1: BP4